The following is an entry in ClinVar:

NM_001079802.2(FKTN):c.575A>C (p.Lys192Thr)

Gene: FKTN (fukutin; plus strand). Cytogenetic location: 9q31.2.
Variant type: single nucleotide variant.
Coding change: c.575A>C on transcript NM_001079802.2 (MANE Select); coding-DNA position 575, A replaced by C.
Protein change: p.Lys192Thr; replaces lysine 192 with threonine.
Molecular consequence: missense variant. On other transcripts: non-coding transcript variant (2).
Genome position (GRCh38, 1-based): chr9:105,604,420, A>C. VCF-style: chr9-105604420-A-C. GRCh37 (hg19) VCF-style: chr9-108366701-A-C.
Other names: c.575A>C, p.Lys192Thr (NM_001198963.2, NM_001351496.2, NM_001351498.2 and 1 more transcripts); c.506A>C, p.Lys169Thr (NM_001351497.2); c.179A>C, p.Lys60Thr (NM_001351499.2, NM_001351500.2, NM_001351501.2 and 1 more transcripts); short protein forms K60T, K169T, K192T.
Identifiers: ClinVar variation 4614178 (VCV004614178.1).
Genomic context (GRCh38, chr9:105,604,420, plus strand): 5'-ACTTGGTAGTCTTTCATGAGAGGAGTGGCAACTACCTCTGGCACGGCCACTTGAGACTTA[A>C]AGAACACATTGACAGGAAATTTGTTCCCTTCCGAAAGTTACAGTTTGGTCGTTATCCAGG-3'
Protein context (NP_001073270.1, residues 182-202): NYLWHGHLRL[Lys192Thr]EHIDRKFVPF

ClinVar aggregate classification (germline): Uncertain significance (1 of 4 stars; one submission).

Conditions:
Cardiovascular phenotype. Identifiers: MedGen CN230736.

gnomAD v4.1: 1 of 1,614,106 alleles (0.000062%); highest among the groups gnomAD compares: Non-Finnish European, 0.000085%; no homozygotes.

Submission:

Ambry Genetics
Classification: Uncertain significance for Cardiovascular phenotype. Last evaluated: 2025-09-18. Review status: criteria provided, single submitter. Criteria: Ambry Variant Classification Scheme 2023. Collection method: clinical testing. Allele origin: germline.
Comment: The p.K192T variant (also known as c.575A>C), located in coding exon 4 of the FKTN gene, results from an A to C substitution at nucleotide position 575. The lysine at codon 192 is replaced by threonine, an amino acid with similar properties. This amino acid position is conserved. In addition, the in silico prediction for this alteration is inconclusive. Based on the available evidence, the clinical significance of this variant remains unclear.